The following is an entry in ClinVar:

NM_000540.3(RYR1):c.9123-9T>C

Gene: RYR1 (ryanodine receptor 1; plus strand). Cytogenetic location: 19q13.2.
Variant type: single nucleotide variant.
Coding change: c.9123-9T>C on transcript NM_000540.3 (MANE Select); 9 bases into the intron before coding-DNA position 9123, T replaced by C.
Molecular consequence: intron variant.
Genome position (GRCh38, 1-based): chr19:38,511,552, T>C. VCF-style: chr19-38511552-T-C. GRCh37 (hg19) VCF-style: chr19-39002192-T-C.
Other names: c.9123-9T>C (NM_001042723.2).
Identifiers: ClinVar variation 3385494 (VCV003385494.1).
Genomic context (GRCh38, chr19:38,511,552, plus strand): 5'-GCTGTCCTCGTCTCCTTGGCCTCCTCACTCGCTGTTTCTCCTGCCTTCTGTCCCTTTCTC[T>C]TTCTTCAGCCTCTTCTGCAAACTTGCTGCTCTCGTCCGCCACCGAGTCTCTCTCTTTGGT-3'

ClinVar aggregate classification (germline): Likely benign (1 of 4 stars; one submission).

Conditions:
Malignant hyperthermia, susceptibility to, 1 (MHS1). Also called: Anesthesia related hyperthermia; Malignant hyperpyrexia; Fulminating hyperpyrexia; Pharmacogenic myopathy; Malignant hyperthermia suceptibility 1; RYR1-Related Malignant Hyperthermia Susceptibility. Identifiers: Orphanet 423, MedGen C2930980, MONDO:0007783, OMIM 145600.

gnomAD v4.1: 1 of 1,613,810 alleles (0.000062%); highest among the groups gnomAD compares: African/African-American, 0.0013%; no homozygotes.

Submission:

All of Us Research Program, National Institutes of Health
Classification: Likely benign for Malignant hyperthermia, susceptibility to, 1. Last evaluated: 2024-05-14. Review status: criteria provided, single submitter. Criteria: ACMG Guidelines, 2015. Collection method: clinical testing. Allele origin: germline. Inheritance: Autosomal dominant inheritance. Observed: 1 variant allele, 1 heterozygote.
Comment: This study involves interpretation of variants in research participants for the purpose of population health screening. Participant phenotype was not available at the time of variant classification. Additional details can be found in publication PMID: 35346344, PMCID: PMC8962531